The following is an entry in ClinVar:

NM_003051.4(SLC16A1):c.734T>C (p.Val245Ala)

Gene: SLC16A1 (solute carrier family 16 member 1; minus strand). Cytogenetic location: 1p13.2.
Variant type: single nucleotide variant.
Coding change: c.734T>C on transcript NM_003051.4 (MANE Select); coding-DNA position 734, T replaced by C.
Protein change: p.Val245Ala; replaces valine 245 with alanine.
Molecular consequence: missense variant.
Genome position (GRCh38, 1-based): chr1:112,917,672, A>G on the plus strand (T>C on the coding strand, the complement: SLC16A1 is on the minus strand). VCF-style: chr1-112917672-A-G. GRCh37 (hg19) VCF-style: chr1-113460294-A-G.
Other names: c.734T>C, p.Val245Ala (NM_001166496.2); short protein forms V245A.
Identifiers: ClinVar variation 1910857 (VCV001910857.6), dbSNP rs1557844185, ClinGen allele CA341828336.
Genomic context (GRCh38, chr1:112,917,672, plus strand): 5'-AGCAAAAAGCCTCTGTGGGTGAATAGGGTTAAGTCCAGGAACTGATTAATTGTTTGGAAG[A>G]CTGATCGTTTCTCTTGTTTAGGGTGTCTTCCAATAAGATCTGTATTTGCATCATGCAGAT-3'
Protein context (NP_003042.3, residues 235-255): GRHPKQEKRS[Val245Ala]FQTINQFLDL

ClinVar aggregate classification (germline): Uncertain significance. Review status: criteria provided, multiple submitters, no conflicts (2 of 4 stars). 2 submissions from 2 submitters: Uncertain significance (2). Last evaluated 2025-09-08.

Conditions:
Inborn genetic diseases. Identifiers: MedGen C0950123, MeSH D030342.

Allele frequency attached by ClinVar (database versions not stated): gnomAD exomes below 0.00001.
gnomAD v4.1: 2 of 1,614,226 alleles (0.00012%); highest among the groups gnomAD compares: Admixed American, 0.0017%; no homozygotes.

Submissions (2):

Labcorp Genetics (formerly Invitae), Labcorp
Classification: Uncertain significance. Last evaluated: 2025-09-08. Review status: criteria provided, single submitter. Criteria: Invitae Variant Classification Sherloc (09022015). Collection method: clinical testing. Allele origin: germline.
Comment: This sequence change replaces valine, which is neutral and non-polar, with alanine, which is neutral and non-polar, at codon 245 of the SLC16A1 protein (p.Val245Ala). This variant is not present in population databases (gnomAD no frequency). This variant has not been reported in the literature in individuals affected with SLC16A1-related conditions. ClinVar contains an entry for this variant (Variation ID: 1910857). An algorithm developed to predict the effect of missense changes on protein structure and function (PolyPhen-2) suggests that this variant is likely to be tolerated. In summary, the available evidence is currently insufficient to determine the role of this variant in disease. Therefore, it has been classified as a Variant of Uncertain Significance.

Ambry Genetics
Classification: Uncertain significance for Inborn genetic diseases. Last evaluated: 2022-05-01. Review status: criteria provided, single submitter. Criteria: Ambry Variant Classification Scheme 2023. Collection method: clinical testing. Allele origin: germline.